The following is an entry in ClinVar:

NM_016475.5(JKAMP):c.380A>G (p.Asp127Gly)

Genes: JKAMP (JNK1/MAPK8 associated membrane protein; plus strand), L3HYPDH (trans-L-3-hydroxyproline dehydratase; minus strand). Cytogenetic location: 14q23.1.
Variant type: single nucleotide variant.
Coding change: c.380A>G on transcript NM_016475.5 (MANE Select); coding-DNA position 380, A replaced by G.
Protein change: p.Asp127Gly; replaces aspartic acid 127 with glycine.
Molecular consequence: missense variant.
Genome position (GRCh38, 1-based): chr14:59,495,146, A>G. VCF-style: chr14-59495146-A-G. GRCh37 (hg19) VCF-style: chr14-59961864-A-G.
Other names: JKAMP, ASP127GLY (SCV006275840); c.362A>G, p.Asp121Gly (NM_001098625.3); c.422A>G, p.Asp141Gly (NM_001284201.2); c.404A>G, p.Asp135Gly (NM_001284202.2); c.191A>G, p.Asp64Gly (NM_001284203.2); c.380A>G, p.Asp127Gly (NM_001284204.2); short protein forms D121G, D127G, D135G, D141G, D64G.
Identifiers: ClinVar variation 4072198 (VCV004072198.3).

ClinVar aggregate classification (germline): Uncertain significance. Review status: criteria provided, single submitter (1 of 4 stars). 2 submissions from 2 submitters: Uncertain significance (1). 1 of the submissions does not count toward it. Last evaluated 2025-07-29.

Conditions:
JKAMP neurodevelopmental disorder.
Neurodevelopmental disorder with seizures and impaired intellectual and language development. Identifiers: MedGen CN381014, MONDO:0981032, OMIM 621533.

Submissions (2):

Telethon Undiagnosed Diseases Program, Telethon Institute of Genetics and Medicine
Classification: Uncertain significance for JKAMP neurodevelopmental disorder. Last evaluated: 2025-07-29. Review status: criteria provided, single submitter. Criteria: ACMG Guidelines, 2015. Collection method: clinical testing. Allele origin: inherited. Inheritance: Autosomal recessive inheritance. Affected: yes. Observed: 1 compound heterozygote.
Comment: The genomic variant c.380A>G is a single nucleotide substitution occurring in the JKAMP gene, resulting in the missense mutation p.Asp127Gly. This variant leads to the replacement of an aspartic acid (Asp), a negatively charged and polar amino acid, with glycine (Gly), a nonpolar and smaller amino acid, at position 127 of the JKAMP protein.

OMIM
Classification: Pathogenic for NEURODEVELOPMENTAL DISORDER WITH SEIZURES AND IMPAIRED INTELLECTUAL AND LANGUAGE DEVELOPMENT. Last evaluated: 2026-03-16. Review status: no assertion criteria provided. Collection method: literature only. Allele origin: germline. Not counted in ClinVar's aggregate classification.

Literature cited by the submitters: PubMed 41643666 (cited by OMIM).